The following is an entry in ClinVar:

NM_005121.3(MED13):c.5393A>G (p.His1798Arg)

Gene: MED13 (mediator complex subunit 13; minus strand). Cytogenetic location: 17q23.2.
Variant type: single nucleotide variant.
Coding change: c.5393A>G on transcript NM_005121.3 (MANE Select); coding-DNA position 5393, A replaced by G.
Protein change: p.His1798Arg; replaces histidine 1798 with arginine.
Molecular consequence: missense variant.
Genome position (GRCh38, 1-based): chr17:61,960,954, T>C on the plus strand (A>G on the coding strand, the complement: MED13 is on the minus strand). VCF-style: chr17-61960954-T-C. GRCh37 (hg19) VCF-style: chr17-60038315-T-C.
Other names: p.His1798Arg; short protein forms H1798R.
Identifiers: ClinVar variation 4082185 (VCV004082185.1).
Genomic context (GRCh38, chr17:61,960,954, plus strand): 5'-CAAGTTTCTAAAAGTTCTCCATATAGATCTGTGCAAGATGCAAGAATCCACCTTTGATCA[T>C]GTGATAAACAGTATCCCACAAAAAGAACATTATATTTCTGTCCAGCTTCTCCAAATGTTT-3'
Protein context (NP_005112.2, residues 1788-1808): NVLFVGYCLS[His1798Arg]DQRWILASCT

ClinVar aggregate classification (germline): Likely pathogenic (1 of 4 stars; one submission).

Conditions:
Intellectual developmental disorder 61. Also called: INTELLECTUAL DEVELOPMENTAL DISORDER, AUTOSOMAL DOMINANT 61; MENTAL RETARDATION, AUTOSOMAL DOMINANT 61. Identifiers: MedGen C5231400, MONDO:0032485, OMIM 618009.

gnomAD v4.1: 1 of 1,613,964 alleles (0.000062%); highest among the groups gnomAD compares: East Asian, 0.0022%; no homozygotes.

Submission:

Medical Genetics Clinic, University of Catania
Classification: Likely pathogenic for Intellectual developmental disorder 61. Last evaluated: 2025-08-26. Review status: criteria provided, single submitter. Criteria: ACMG Guidelines, 2015. Collection method: clinical testing. Allele origin: de novo. Inheritance: Autosomal dominant inheritance. Affected: yes. Observed: 1 heterozygote.
Comment: The c.5393A>G variant in the MED13 gene causes the substitution of a Histidine at position 1798 with an Arginine (p.His1798Arg). This variant is not reported in the medical literature and is absent in GnomADv2. In silico prediction tools suggest a detrimental effect on the structure/activity of the protein (Polyphen: probably damaging, SIFT: deleterious, MUTTASTER: disease causing). The pLI value (probability of loss-of-function intolerance) of this gene in the reference population of gnomADv2 is 1, indicating that the MED13 gene is intolerant to loss-of-function variation. In light of the above, the c.5393A>G variant in the MED13 gene has been classified as a Likely Pathogenic Variant.